The following is an entry in ClinVar:

ClinVar aggregate classification (germline): Uncertain significance. Review status: criteria provided, multiple submitters, no conflicts (2 of 4 stars). 2 submissions from 2 submitters: Uncertain significance (2). Last evaluated 2026-07-06.

Conditions:
Familial adenomatous polyposis 1 (FAP1). Also called: POLYPOSIS, ADENOMATOUS INTESTINAL; FAMILIAL ADENOMATOUS POLYPOSIS 1, ATTENUATED. Identifiers: MedGen C2713442, MONDO:0021056, OMIM 175100. Disease mechanism: loss of function.
Hereditary cancer-predisposing syndrome. Also called: Hereditary Cancer Syndrome; Hereditary neoplastic syndrome; Neoplastic Syndromes, Hereditary; Tumor predisposition. Identifiers: Orphanet 140162, MedGen C0027672, MeSH D009386, MONDO:0015356.

Allele frequency attached by ClinVar (database versions not stated): gnomAD exomes below 0.00001.
gnomAD v4.1: 1 of 1,612,496 alleles (0.000062%); highest among the groups gnomAD compares: South Asian, 0.0011%; no homozygotes.

Submissions (2):

Ambry Genetics
Classification: Uncertain significance for Hereditary cancer-predisposing syndrome. Last evaluated: 2026-07-06. Review status: criteria provided, single submitter. Criteria: Ambry Variant Classification Scheme 2023. Collection method: clinical testing. Allele origin: germline.
Comment: The p.H668Q variant (also known as c.2004C>G), located in coding exon 15 of the APC gene, results from a C to G substitution at nucleotide position 2004. The histidine at codon 668 is replaced by glutamine, an amino acid with highly similar properties. This amino acid position is conserved. In addition, in silico predictors for this gene do not accurately predict pathogenicity. Based on the available evidence, the clinical significance of this variant remains unclear.

Labcorp Genetics (formerly Invitae), Labcorp
Classification: Uncertain significance for Familial adenomatous polyposis 1. Last evaluated: 2023-06-25. Review status: criteria provided, single submitter. Criteria: Invitae Variant Classification Sherloc (09022015). Collection method: clinical testing. Allele origin: germline.
Comment: In summary, the available evidence is currently insufficient to determine the role of this variant in disease. Therefore, it has been classified as a Variant of Uncertain Significance. Advanced modeling of protein sequence and biophysical properties (such as structural, functional, and spatial information, amino acid conservation, physicochemical variation, residue mobility, and thermodynamic stability) performed at Invitae indicates that this missense variant is not expected to disrupt APC protein function. This sequence change replaces histidine, which is basic and polar, with glutamine, which is neutral and polar, at codon 668 of the APC protein (p.His668Gln). This variant is present in population databases (no rsID available, gnomAD 0.003%). This variant has not been reported in the literature in individuals affected with APC-related conditions.

NM_000038.6(APC):c.2004C>G (p.His668Gln)

Gene: APC (APC regulator of Wnt signaling pathway; plus strand). Cytogenetic location: 5q22.2.
Variant type: single nucleotide variant.
Coding change: c.2004C>G on transcript NM_000038.6 (MANE Select); coding-DNA position 2004, C replaced by G.
Protein change: p.His668Gln; replaces histidine 668 with glutamine.
Molecular consequence: missense variant. On other transcripts: non-coding transcript variant (2).
Genome position (GRCh38, 1-based): chr5:112,837,598, C>G. VCF-style: chr5-112837598-C-G. GRCh37 (hg19) VCF-style: chr5-112173295-C-G.
Other names: c.2004C>G, p.His668Gln (NM_001127510.3, NM_001407450.1, NM_001354895.2); c.1950C>G, p.His650Gln (NM_001127511.3); c.1626C>G, p.His542Gln (NM_001354904.2); c.1524C>G, p.His508Gln (NM_001354905.2); c.1155C>G, p.His385Gln (NM_001354906.2, NM_001407470.1); c.2088C>G, p.His696Gln (NM_001407446.1); c.2058C>G, p.His686Gln (NM_001407447.1, NM_001407448.1, NM_001407449.1 and 1 more transcripts); c.1983C>G, p.His661Gln (NM_001407451.1); and 12 more; short protein forms H284Q, H542Q, H627Q, H686Q, H696Q, H385Q, H577Q, H585Q.
Identifiers: ClinVar variation 2728335 (VCV002728335.4), dbSNP rs1380127485, ClinGen allele CA16025697.
Genomic context (GRCh38, chr5:112,837,598, plus strand): 5'-TTGATTTTATTTCAGGCAAATCCTAAGAGAGAACAACTGTCTACAAACTTTATTACAACA[C>G]TTAAAATCTCATAGTTTGACAATAGTCAGTAATGCATGTGGAACTTTGTGGAATCTCTCA-3'
Protein context (NP_000029.2, residues 658-678): ENNCLQTLLQ[His668Gln]LKSHSLTIVS